The following is an entry in ClinVar:

NM_000214.3(JAG1):c.1702C>T (p.Arg568Cys)

Gene: JAG1 (jagged canonical Notch ligand 1; minus strand). Cytogenetic location: 20p12.2.
Variant type: single nucleotide variant.
Coding change: c.1702C>T on transcript NM_000214.3 (MANE Select); coding-DNA position 1702, C replaced by T.
Protein change: p.Arg568Cys; replaces arginine 568 with cysteine.
Molecular consequence: missense variant.
Genome position (GRCh38, 1-based): chr20:10,647,978, G>A on the plus strand (C>T on the coding strand, the complement: JAG1 is on the minus strand). VCF-style: chr20-10647978-G-A. GRCh37 (hg19) VCF-style: chr20-10628626-G-A.
Other names: c.1702C>T (NM_000214.2); short protein forms R568C.
Identifiers: ClinVar variation 1520169 (VCV001520169.13), dbSNP rs748384232, ClinGen allele CA9764791.
Genomic context (GRCh38, chr20:10,647,978, plus strand): 5'-AGCAAGTCTGGAGACAGCCAGGTCCCGGGAGAAGGGAGGTACCTTCACAGGGGGTCGTGC[G>A]GCAGTGGTCTTTCAGGTGTGAGCAGTTCTTGCCCTCATAGTCCTCGGGGCACTTGCAGAA-3'
Protein context (NP_000205.1, residues 558-578): KNCSHLKDHC[Arg568Cys]TTPCEVIDSC

ClinVar aggregate classification (germline): Conflicting classifications of pathogenicity. Review status: criteria provided, conflicting classifications (1 of 4 stars). 4 submissions from 4 submitters: Uncertain significance (3); Likely benign (1). Last evaluated 2026-06-01.

Conditions:
Alagille syndrome due to a JAG1 point mutation. Also called: Alagille Syndrome 1; HEPATIC DUCTULAR HYPOPLASIA, SYNDROMATIC; JAG1-Related Alagille Syndrome. Identifiers: Orphanet 261619, Orphanet 52, MedGen C1956125, MONDO:0016862, OMIM 118450.
Deafness, congenital heart defects, and posterior embryotoxon (DCHE). Identifiers: MedGen C1866053, MONDO:0060713, OMIM 617992.
Charcot-Marie-Tooth disease, axonal, Type 2HH. Also called: CHARCOT-MARIE-TOOTH NEUROPATHY, TYPE 2HH. Identifiers: MedGen C5562003, MONDO:0030458, OMIM 619574.
Tetralogy of Fallot (TOF). Identifiers: Orphanet 3303, MedGen C0039685, MONDO:0008542, OMIM 187500, HP:0001636.
Cardiovascular phenotype. Identifiers: MedGen CN230736.

Allele frequency attached by ClinVar (database versions not stated): gnomAD 0.00001; TOPMed 0.00001; ExAC 0.00002.
gnomAD v4.1: 11 of 1,614,036 alleles (0.00068%); highest among the groups gnomAD compares: South Asian, 0.0011%; no homozygotes.

Submissions (4):

CeGaT Center for Human Genetics Tuebingen
Classification: Uncertain significance. Last evaluated: 2026-06-01. Review status: criteria provided, single submitter. Criteria: CeGaT Center For Human Genetics Tuebingen Variant Classification Criteria Version 2. Collection method: clinical testing. Allele origin: germline. Affected: yes. Observed: 1 variant allele.
Comment: JAG1: PP3

Ambry Genetics
Classification: Likely benign for Cardiovascular phenotype. Last evaluated: 2025-07-24. Review status: criteria provided, single submitter. Criteria: Ambry Variant Classification Scheme 2023. Collection method: clinical testing. Allele origin: germline.

Labcorp Genetics (formerly Invitae), Labcorp
Classification: Uncertain significance for Alagille syndrome due to a JAG1 point mutation. Last evaluated: 2024-10-05. Review status: criteria provided, single submitter. Criteria: Invitae Variant Classification Sherloc (09022015). Collection method: clinical testing. Allele origin: germline.
Comment: This sequence change replaces arginine, which is basic and polar, with cysteine, which is neutral and slightly polar, at codon 568 of the JAG1 protein (p.Arg568Cys). This variant is present in population databases (rs748384232, gnomAD 0.006%). This variant has not been reported in the literature in individuals affected with JAG1-related conditions. ClinVar contains an entry for this variant (Variation ID: 1520169). Invitae Evidence Modeling of protein sequence and biophysical properties (such as structural, functional, and spatial information, amino acid conservation, physicochemical variation, residue mobility, and thermodynamic stability) has been performed for this missense variant. However, the output from this modeling did not meet the statistical confidence thresholds required to predict the impact of this variant on JAG1 protein function. In summary, the available evidence is currently insufficient to determine the role of this variant in disease. Therefore, it has been classified as a Variant of Uncertain Significance.

Fulgent Genetics
Classification: Uncertain significance for Alagille syndrome due to a JAG1 point mutation; Tetralogy of Fallot; Deafness, congenital heart defects, and posterior embryotoxon; Charcot-Marie-Tooth disease, axonal, Type 2HH. Last evaluated: 2024-04-19. Review status: criteria provided, single submitter. Criteria: ACMG Guidelines, 2015. Collection method: clinical testing. Allele origin: germline.